The following is an entry in ClinVar:

ClinVar aggregate classification (germline): Uncertain significance. Review status: criteria provided, multiple submitters, no conflicts (2 of 4 stars). 2 submissions from 2 submitters: Uncertain significance (2). Last evaluated 2025-11-07.

gnomAD v4.1: 77 of 1,209,565 alleles (0.0064%); highest among the groups gnomAD compares: Admixed American, 0.039%; no homozygotes.

Submissions (2):

Ambry Genetics
Classification: Uncertain significance. Last evaluated: 2025-11-07. Review status: criteria provided, single submitter. Criteria: Ambry Variant Classification Scheme 2023. Collection method: clinical testing. Allele origin: germline.

Labcorp Genetics (formerly Invitae), Labcorp
Classification: Uncertain significance. Last evaluated: 2025-09-20. Review status: criteria provided, single submitter. Criteria: Invitae Variant Classification Sherloc (09022015). Collection method: clinical testing. Allele origin: germline.
Comment: This sequence change replaces threonine, which is neutral and polar, with methionine, which is neutral and non-polar, at codon 692 of the SLC9A7 protein (p.Thr692Met). This variant is present in population databases (rs371727694, gnomAD 0.03%). This variant has not been reported in the literature in individuals affected with SLC9A7-related conditions. An algorithm developed to predict the effect of missense changes on protein structure and function outputs the following: PolyPhen-2: "Not Available". The methionine amino acid residue is found in multiple mammalian species, which suggests that this missense change does not adversely affect protein function. In summary, the available evidence is currently insufficient to determine the role of this variant in disease. Therefore, it has been classified as a Variant of Uncertain Significance.

NM_001257291.2(SLC9A7):c.2075C>T (p.Thr692Met)

Gene: SLC9A7 (solute carrier family 9 member A7; minus strand). Cytogenetic location: Xp11.3.
Variant type: single nucleotide variant.
Coding change: c.2075C>T on transcript NM_001257291.2 (MANE Select); coding-DNA position 2075, C replaced by T.
Protein change: p.Thr692Met; replaces threonine 692 with methionine.
Molecular consequence: missense variant.
Genome position (GRCh38, 1-based): chrX:46,607,058, G>A on the plus strand (C>T on the coding strand, the complement: SLC9A7 is on the minus strand). VCF-style: chrX-46607058-G-A. GRCh37 (hg19) VCF-style: chrX-46466493-G-A.
Other names: c.2072C>T, p.Thr691Met (NM_032591.3); short protein forms T691M, T692M.
Identifiers: ClinVar variation 4586390 (VCV004586390.2).